The following is an entry in ClinVar:

NM_003107.3(SOX4):c.1043C>T (p.Ser348Phe)

Gene: SOX4 (SRY-box transcription factor 4; plus strand). Cytogenetic location: 6p22.3.
Variant type: single nucleotide variant.
Coding change: c.1043C>T on transcript NM_003107.3 (MANE Select); coding-DNA position 1043, C replaced by T.
Protein change: p.Ser348Phe; replaces serine 348 with phenylalanine.
Molecular consequence: missense variant.
Genome position (GRCh38, 1-based): chr6:21,595,577, C>T. VCF-style: chr6-21595577-C-T. GRCh37 (hg19) VCF-style: chr6-21595808-C-T.
Other names: short protein forms S348F.
Identifiers: ClinVar variation 5006999 (VCV005006999.2).

ClinVar aggregate classification (germline): Uncertain significance (1 of 4 stars; one submission).

Conditions:
Coffin-Siris syndrome 10. Also called: INTELLECTUAL DEVELOPMENTAL DISORDER WITH SPEECH DELAY AND DYSMORPHIC FACIES. Identifiers: MedGen C4760583, MONDO:0032791, OMIM 618506.

Submission:

Juno Genomics, Hangzhou Juno Genomics, Inc
Classification: Uncertain significance for Coffin-Siris syndrome 10. Review status: criteria provided, single submitter. Criteria: ACMG Guidelines, 2015. Collection method: clinical testing. Allele origin: germline.
Comment: Absent from controls (or at extremely low frequency if recessive) in Genome Aggregation Database.